The following is an entry in ClinVar:

NM_000059.4(BRCA2):c.5390C>G (p.Ala1797Gly)

Gene: BRCA2 (BRCA2 DNA repair associated; plus strand). Cytogenetic location: 13q13.1.
Variant type: single nucleotide variant.
Coding change: c.5390C>G on transcript NM_000059.4 (MANE Select); coding-DNA position 5390, C replaced by G.
Protein change: p.Ala1797Gly; replaces alanine 1797 with glycine.
Molecular consequence: missense variant.
Genome position (GRCh38, 1-based): chr13:32,339,745, C>G. VCF-style: chr13-32339745-C-G. GRCh37 (hg19) VCF-style: chr13-32913882-C-G.
Other names: short protein forms A1797G.
Identifiers: ClinVar variation 51852 (VCV000051852.34), dbSNP rs80358760, ClinGen allele CA022204.
Genomic context (GRCh38, chr13:32,339,745, plus strand): 5'-AGAATGTTGAAGATCAAAAAAACACTAGTTTTTCCAAAGTAATATCCAATGTAAAAGATG[C>G]AAATGCATACCCACAAACTGTAAATGAAGATATTTGCGTTGAGGAACTTGTGACTAGCTC-3'
Protein context (NP_000050.3, residues 1787-1807): FSKVISNVKD[Ala1797Gly]NAYPQTVNED

ClinVar aggregate classification (germline): Conflicting classifications of pathogenicity. Review status: criteria provided, conflicting classifications (1 of 4 stars). 16 submissions from 16 submitters: Uncertain significance (7); Likely benign (3). 6 of the submissions do not count toward it. Last evaluated 2025-12-29.

Conditions:
Hereditary cancer-predisposing syndrome. Also called: Neoplastic Syndromes, Hereditary; Tumor predisposition; Hereditary neoplastic syndrome; Hereditary Cancer Syndrome. Identifiers: Orphanet 140162, MedGen C0027672, MeSH D009386, MONDO:0015356.
Hereditary breast ovarian cancer syndrome. Also called: Hereditary breast and ovarian cancer syndrome; Hereditary breast and ovarian cancer; Hereditary breast and ovarian cancer syndrome (HBOC); Breast and ovarian cancer; Hereditary breast and/or ovarian cancer syndrome; BRCA1- and BRCA2-Associated Hereditary Breast and Ovarian Cancer. Identifiers: Orphanet 145, MedGen C0677776, MeSH D061325, MONDO:0003582. Disease mechanism: loss of function.
Breast-ovarian cancer, familial, susceptibility to, 2 (BROVCA2). Also called: BRCA2 Hereditary Breast and Ovarian Cancer. Identifiers: Orphanet 145, MedGen C2675520, MONDO:0012933, OMIM 612555. Disease mechanism: loss of function.

Allele frequency attached by ClinVar (database versions not stated): ExAC 0.00001; gnomAD 0.00001; gnomAD exomes 0.00001; TOPMed 0.00001.
gnomAD v4.1: 12 of 1,613,668 alleles (0.00074%); highest among the groups gnomAD compares: Non-Finnish European, 0.001%; no homozygotes.

Submissions 1 to 9 of 16:

Center for Genomic Medicine, Rigshospitalet, Copenhagen University Hospital
Classification: Likely benign. Last evaluated: 2025-12-29. Review status: criteria provided, single submitter. Criteria: ACMG Guidelines, 2015. Collection method: clinical testing. Allele origin: germline.
Comment: Classification criteria: BP1_Strong

Labcorp Genetics (formerly Invitae), Labcorp
Classification: Uncertain significance for Hereditary breast ovarian cancer syndrome. Last evaluated: 2025-10-01. Review status: criteria provided, single submitter. Criteria: Invitae Variant Classification Sherloc (09022015). Collection method: clinical testing. Allele origin: germline.
Comment: This sequence change replaces alanine, which is neutral and non-polar, with glycine, which is neutral and non-polar, at codon 1797 of the BRCA2 protein (p.Ala1797Gly). This variant is present in population databases (rs80358760, gnomAD 0.003%). This missense change has been observed in individual(s) with personal and/or family history of breast and/or ovarian cancer (PMID: 30254663). ClinVar contains an entry for this variant (Variation ID: 51852). Invitae Evidence Modeling of protein sequence and biophysical properties (such as structural, functional, and spatial information, amino acid conservation, physicochemical variation, residue mobility, and thermodynamic stability) indicates that this missense variant is not expected to disrupt BRCA2 protein function with a negative predictive value of 95%. In summary, the available evidence is currently insufficient to determine the role of this variant in disease. Therefore, it has been classified as a Variant of Uncertain Significance.

Color Diagnostics, LLC DBA Color Health
Classification: Uncertain significance for Hereditary cancer-predisposing syndrome. Last evaluated: 2025-02-18. Review status: criteria provided, single submitter. Criteria: ACMG Guidelines, 2015. Collection method: clinical testing. Allele origin: germline.
Comment: This missense variant replaces alanine with glycine at codon 1797 of the BRCA2 protein. Computational prediction suggests that this variant may not impact protein structure and function. To our knowledge, functional studies have not been reported for this variant. This variant has been detected in a breast cancer case-control meta-analysis in 1/60466 cases and 4/53461 unaffected individuals (PMID: 33471991; Leiden Open Variation Database DB-ID BRCA2_001468). Multifactorial analyses have reported likelihood ratios for pathogenicity, reaching a combined LR of 0.631 based on personal and family history of two carriers and co-occurrence with a pathogenic variant (PMID: 31131967, 31853058). This variant also has been detected in 1 individual older than age 70 years who has never had cancer (FLOSSIES database). This variant has been identified in 3/251078 chromosomes in the general population by the Genome Aggregation Database (gnomAD). Although there is a suspicion that this variant may not be associated with disease, additional studies are necessary to determine the role of this variant in disease conclusively. Therefore, this variant is classified as a Variant of Uncertain Significance.

Quest Diagnostics Nichols Institute San Juan Capistrano
Classification: Uncertain significance. Last evaluated: 2025-02-11. Review status: criteria provided, single submitter. Criteria: Quest Diagnostics criteria. Collection method: clinical testing. Allele origin: unknown.
Comment: The BRCA2 c.5390C>G (p.Ala1797Gly) variant has been reported in the published literature in individuals with a personal and/or family history of breast and/or ovarian cancer (PMID: 34572941 (2021), 30254663 (2018)). In a large scale breast cancer association study, this variant has been observed in a breast cancer case as well as reportedly healthy individuals (PMID: 33471991 (2021), see also LOVD). The frequency of this variant in the general population (Genome Aggregation Database) is uninformative in the assessment of its pathogenicity. Analysis of this variant using bioinformatics tools for the prediction of the effect of amino acid changes on protein structure and function yielded predictions that this variant is benign. Based on the available information, we are unable to determine the clinical significance of this variant.

All of Us Research Program, National Institutes of Health
Classification: Uncertain significance for Breast-ovarian cancer, familial, susceptibility to, 2. Last evaluated: 2023-05-15. Review status: criteria provided, single submitter. Criteria: ACMG Guidelines, 2015. Collection method: clinical testing. Allele origin: germline. Inheritance: Autosomal dominant inheritance. Observed: 3 variant alleles, 3 heterozygotes.
Comment: This missense variant replaces alanine with glycine at codon 1797 of the BRCA2 protein. Computational prediction suggests that this variant may not impact protein structure and function (internally defined REVEL score threshold <= 0.5, PMID: 27666373). To our knowledge, functional studies have not been reported for this variant. This variant has been reported in an individual with a personal or family history of breast and/or ovarian cancer (PMID: 34572941). This variant has also been reported in a breast cancer case-control meta-analysis in 1/60465 cases and 4/53457 unaffected individuals (PMID: 33471991; Leiden Open Variation Database DB-ID BRCA2_001468). This variant has been identified in 3/251078 chromosomes in the general population by the Genome Aggregation Database (gnomAD). Although there is a suspicion that this variant may not be associated with disease, additional studies are necessary to determine the role of this variant in disease conclusively. Therefore, this variant is classified as a Variant of Uncertain Significance.

This study involves interpretation of variants in research participants for the purpose of population health screening. Participant phenotype was not available at the time of variant classification. Additional details can be found in publication PMID: 35346344, PMCID: PMC8962531

University of Washington Department of Laboratory Medicine, University of Washington
Classification: Likely benign for Hereditary cancer-predisposing syndrome. Last evaluated: 2023-03-23. Review status: criteria provided, single submitter. Criteria: Dines et al. (Genet Med. 2020). Collection method: curation. Allele origin: germline.
Comment: Missense variant in a coldspot region where missense variants are very unlikely to be pathogenic (PMID:31911673).

BRCA2 exon 11 coldspot. Reclassification based on statistical prior probability.

Ambry Genetics
Classification: Uncertain significance for Hereditary cancer-predisposing syndrome. Last evaluated: 2022-05-04. Review status: criteria provided, single submitter. Criteria: Ambry Variant Classification Scheme 2023. Collection method: clinical testing. Allele origin: germline.
Comment: The p.A1797G variant (also known as c.5390C>G), located in coding exon 10 of the BRCA2 gene, results from a C to G substitution at nucleotide position 5390. The alanine at codon 1797 is replaced by glycine, an amino acid with similar properties. This variant was identified in one family undergoing BRCA1/2 testing (Zuntini R et al. Front Genet, 2018 Sep;9:378). This amino acid position is not well conserved in available vertebrate species. In addition, this alteration is predicted to be tolerated by in silico analysis. Since supporting evidence is limited at this time, the clinical significance of this alteration remains unclear.

GeneDx
Classification: Uncertain significance. Last evaluated: 2022-02-14. Review status: criteria provided, single submitter. Criteria: GeneDx Variant Classification Process June 2021. Collection method: clinical testing. Allele origin: germline. Affected: yes.
Comment: Identified in individuals with breast or ovarian cancer (Zutini 2018); In silico analysis supports that this missense variant has a deleterious effect on protein structure/function; Not observed at significant frequency in large population cohorts (gnomAD); Also known as 5618C>G; This variant is associated with the following publications: (PMID: 27930734, 30254663)

Sema4
Classification: Uncertain significance for Hereditary cancer-predisposing syndrome. Last evaluated: 2021-05-07. Review status: criteria provided, single submitter. Criteria: Sema4 Curation Guidelines. Collection method: curation. Allele origin: germline.
Comment: The BRCA2 c.5390C>G (p.A1797G) variant has been reported in heterozygosity in at least one individual with breast and/or ovarian cancer (PMID: 30254663). This variant was observed in 3/113490 chromosomes in the European (non-Finnish) population, according to the Genome Aggregation Database (PMID: 32461654) and has been reported in ClinVar (Variation ID: 51852). In silico tools suggest the impact of the variant on protein function is inconclusive, though these predictions have not been confirmed by functional studies. Based on the current evidence available, this variant is interpreted as a variant of uncertain significance.